The following is an entry in ClinVar:

NM_001130987.2(DYSF):c.4244A>G (p.Tyr1415Cys)

Gene: DYSF (dysferlin; plus strand). Cytogenetic location: 2p13.2.
Variant type: single nucleotide variant.
Coding change: c.4244A>G on transcript NM_001130987.2 (MANE Select); coding-DNA position 4244, A replaced by G.
Protein change: p.Tyr1415Cys; replaces tyrosine 1415 with cysteine.
Molecular consequence: missense variant.
Genome position (GRCh38, 1-based): chr2:71,612,663, A>G. VCF-style: chr2-71612663-A-G. GRCh37 (hg19) VCF-style: chr2-71839793-A-G.
Other names: c.4193A>G, p.Tyr1398Cys (NM_001130455.2, NM_001130983.2); c.4148A>G, p.Tyr1383Cys (NM_001130976.2, NM_001130977.2); c.4190A>G, p.Tyr1397Cys (NM_001130978.2, NM_003494.4); c.4283A>G, p.Tyr1428Cys (NM_001130979.2); c.4241A>G, p.Tyr1414Cys (NM_001130980.2, NM_001130981.2); c.4286A>G, p.Tyr1429Cys (NM_001130982.2); c.4151A>G, p.Tyr1384Cys (NM_001130984.2, NM_001130986.2); c.4244A>G, p.Tyr1415Cys (NM_001130985.2); short protein forms Y1415C, Y1397C, Y1383C, Y1398C, Y1414C, Y1429C, Y1384C, Y1428C.
Identifiers: ClinVar variation 471302 (VCV000471302.9), dbSNP rs775254512, ClinGen allele CA347229226.
Genomic context (GRCh38, chr2:71,612,663, plus strand): 5'-GGGGATTCAGGCCAGTGCGTTCTTCCTCCTCCACCCAGATGCTGCCCAGGGAGGAGCTCT[A>G]CTGCCCCCCCATCACCGTCAAGGTCATCGATAACCGCCAGTTTGGCCGCCGGCCTGTGGT-3'
Protein context (NP_001124459.1, residues 1405-1425): MEVMLPREEL[Tyr1415Cys]CPPITVKVID

ClinVar aggregate classification (germline): Uncertain significance. Review status: criteria provided, single submitter (1 of 4 stars). 2 submissions from 2 submitters: Uncertain significance (1). 1 of the submissions does not count toward it. Last evaluated 2022-06-04.

Conditions:
Neuromuscular disease caused by qualitative or quantitative defects of dysferlin. Also called: Dysferlinopathy; Qualitative or quantitative defects of dysferlin. Identifiers: Orphanet 207073, MedGen C2931687, MONDO:0016145.
Autosomal recessive limb-girdle muscular dystrophy type 2B (LGMDR2). Also called: Limb-girdle muscular dystrophy, type 2B; MUSCULAR DYSTROPHY, LIMB-GIRDLE, TYPE 3; MUSCULAR DYSTROPHY, LIMB-GIRDLE, AUTOSOMAL RECESSIVE 2; Limb-Girdle Muscular Dystrophy Type 2B (LGMD2B). Identifiers: Orphanet 268, MedGen C1850889, MONDO:0009676, OMIM 253601.

gnomAD v4.1: 5 of 1,613,998 alleles (0.00031%); highest among the groups gnomAD compares: Non-Finnish European, 0.00025%; no homozygotes.

Submissions (2):

Labcorp Genetics (formerly Invitae), Labcorp
Classification: Uncertain significance for Neuromuscular disease caused by qualitative or quantitative defects of dysferlin. Last evaluated: 2022-06-04. Review status: criteria provided, single submitter. Criteria: Invitae Variant Classification Sherloc (09022015). Collection method: clinical testing. Allele origin: germline.
Comment: This sequence change replaces tyrosine, which is neutral and polar, with cysteine, which is neutral and slightly polar, at codon 1397 of the DYSF protein (p.Tyr1397Cys). This variant is not present in population databases (gnomAD no frequency). This variant has not been reported in the literature in individuals affected with DYSF-related conditions. ClinVar contains an entry for this variant (Variation ID: 471302). Advanced modeling of protein sequence and biophysical properties (such as structural, functional, and spatial information, amino acid conservation, physicochemical variation, residue mobility, and thermodynamic stability) performed at Invitae indicates that this missense variant is expected to disrupt DYSF protein function. In summary, the available evidence is currently insufficient to determine the role of this variant in disease. Therefore, it has been classified as a Variant of Uncertain Significance.

Natera, Inc.
Classification: Uncertain significance for Limb-girdle muscular dystrophy type 2B. Last evaluated: 2021-07-12. Review status: no assertion criteria provided. Collection method: clinical testing. Allele origin: germline. Not counted in ClinVar's aggregate classification.